The following is an entry in ClinVar:

ClinVar aggregate classification (germline): Uncertain significance (1 of 4 stars; one submission).

Conditions:
Classic or attenuated familial adenomatous polyposis. Identifiers: MedGen CN372698, MONDO:0021057.

Submission:

All of Us Research Program, National Institutes of Health
Classification: Uncertain significance for Classic or attenuated familial adenomatous polyposis. Last evaluated: 2023-06-08. Review status: criteria provided, single submitter. Criteria: ACMG Guidelines, 2015. Collection method: clinical testing. Allele origin: germline. Inheritance: Autosomal dominant inheritance. Observed: 1 variant allele, 1 heterozygote.
Comment: This missense variant replaces serine with arginine at codon 1391 of the APC protein. Computational prediction is inconclusive regarding the impact of this variant on protein structure and function (internally defined REVEL score threshold 0.5 < inconclusive < 0.7, PMID: 27666373). Splice site prediction tools suggest that this variant may have an impact on RNA splicing. To our knowledge, functional studies have not been reported for this variant. This variant has not been reported in individuals affected with APC-related disorders in the literature. This variant has not been identified in the general population by the Genome Aggregation Database (gnomAD). The available evidence is insufficient to determine the role of this variant in disease conclusively. Therefore, this variant is classified as a Variant of Uncertain Significance.

This study involves interpretation of variants in research participants for the purpose of population health screening. Participant phenotype was not available at the time of variant classification. Additional details can be found in publication PMID: 35346344, PMCID: PMC8962531

NM_000038.6(APC):c.4171A>C (p.Ser1391Arg)

Gene: APC (APC regulator of WNT signaling pathway; plus strand). Cytogenetic location: 5q22.2.
Variant type: single nucleotide variant.
Coding change: c.4171A>C on transcript NM_000038.6 (MANE Select); coding-DNA position 4171, A replaced by C.
Protein change: p.Ser1391Arg; replaces serine 1391 with arginine.
Molecular consequence: missense variant. On other transcripts: non-coding transcript variant (2).
Genome position (GRCh38, 1-based): chr5:112,839,765, A>C. VCF-style: chr5-112839765-A-C. GRCh37 (hg19) VCF-style: chr5-112175462-A-C.
Other names: c.4171A>C, p.Ser1391Arg (NM_001127510.3, NM_001354895.2, NM_001407450.1); c.4117A>C, p.Ser1373Arg (NM_001127511.3); c.4225A>C, p.Ser1409Arg (NM_001354896.2, NM_001407447.1, NM_001407448.1 and 1 more transcripts); c.4201A>C, p.Ser1401Arg (NM_001354897.2); c.4096A>C, p.Ser1366Arg (NM_001354898.2); c.4087A>C, p.Ser1363Arg (NM_001354899.2); c.4048A>C, p.Ser1350Arg (NM_001354900.2); c.3994A>C, p.Ser1332Arg (NM_001354901.2, NM_001407453.1); and 11 more; short protein forms S1007R, S1108R, S1231R, S1262R, S1265R, S1290R, S1300R, S1308R.
Identifiers: ClinVar variation 3071614 (VCV003071614.1), dbSNP rs587781885, ClinGen allele CA16030469.
Genomic context (GRCh38, chr5:112,839,765, plus strand): 5'-AGTCCACCTGAACACTATGTTCAGGAGACCCCACTCATGTTTAGCAGATGTACTTCTGTC[A>C]GTTCACTTGATAGTTTTGAGAGTCGTTCGATTGCCAGCTCCGTTCAGAGTGAACCATGCA-3'
Protein context (NP_000029.2, residues 1381-1401): PLMFSRCTSV[Ser1391Arg]SLDSFESRSI